The following is an entry in ClinVar:

NM_014974.3(DIP2C):c.2962C>T (p.Leu988Phe)

Gene: DIP2C (DIP2 acetate--CoA ligase C (putative); minus strand). Cytogenetic location: 10p15.3.
Variant type: single nucleotide variant.
Coding change: c.2962C>T on transcript NM_014974.3 (MANE Select); coding-DNA position 2962, C replaced by T.
Protein change: p.Leu988Phe; replaces leucine 988 with phenylalanine.
Molecular consequence: missense variant.
Genome position (GRCh38, 1-based): chr10:356,449, G>A on the plus strand (C>T on the coding strand, the complement: DIP2C is on the minus strand). VCF-style: chr10-356449-G-A. GRCh37 (hg19) VCF-style: chr10-402389-G-A.
Other names: short protein forms L988F.
Identifiers: ClinVar variation 3603531 (VCV003603531.2).

ClinVar aggregate classification (germline): Uncertain significance (1 of 4 stars; one submission).

gnomAD v4.1: 4 of 1,611,864 alleles (0.00025%); highest among the groups gnomAD compares: African/African-American, 0.0013%; no homozygotes.

Submission:

Labcorp Genetics (formerly Invitae), Labcorp
Classification: Uncertain significance. Last evaluated: 2024-12-23. Review status: criteria provided, single submitter. Criteria: Invitae Variant Classification Sherloc (09022015). Collection method: clinical testing. Allele origin: germline.
Comment: This sequence change replaces leucine, which is neutral and non-polar, with phenylalanine, which is neutral and non-polar, at codon 988 of the DIP2C protein (p.Leu988Phe). This variant is not present in population databases (gnomAD no frequency). This variant has not been reported in the literature in individuals affected with DIP2C-related conditions. An algorithm developed to predict the effect of missense changes on protein structure and function (PolyPhen-2) suggests that this variant is likely to be tolerated. In summary, the available evidence is currently insufficient to determine the role of this variant in disease. Therefore, it has been classified as a Variant of Uncertain Significance.